The following is an entry in ClinVar:

ClinVar aggregate classification (germline): Likely pathogenic (1 of 4 stars; one submission).

Submission:

Labcorp Genetics (formerly Invitae), Labcorp
Classification: Likely pathogenic. Last evaluated: 2022-06-29. Review status: criteria provided, single submitter. Criteria: Invitae Variant Classification Sherloc (09022015). Collection method: clinical testing. Allele origin: germline.
Comment: This sequence change affects an acceptor splice site in intron 1 of the IPO8 gene. It is expected to disrupt RNA splicing. Variants that disrupt the donor or acceptor splice site typically lead to a loss of protein function (PMID: 16199547), and loss-of-function variants in IPO8 are known to be pathogenic (PMID: 33875846). This variant is not present in population databases (gnomAD no frequency). This variant has not been reported in the literature in individuals affected with IPO8-related conditions. Algorithms developed to predict the effect of sequence changes on RNA splicing suggest that this variant may disrupt the consensus splice site. In summary, the currently available evidence indicates that the variant is pathogenic, but additional data are needed to prove that conclusively. Therefore, this variant has been classified as Likely Pathogenic.

Literature cited by the submitters: PubMed 16199547; PubMed 33875846.

NM_006390.4(IPO8):c.85-1G>C

Gene: IPO8 (importin 8; minus strand). Cytogenetic location: 12p11.21.
Variant type: single nucleotide variant.
Coding change: c.85-1G>C on transcript NM_006390.4 (MANE Select); the canonical splice acceptor site of the intron before coding-DNA position 85, G replaced by C.
Molecular consequence: splice acceptor variant.
Genome position (GRCh38, 1-based): chr12:30,690,578, C>G on the plus strand (G>C on the coding strand, the complement: IPO8 is on the minus strand). VCF-style: chr12-30690578-C-G. GRCh37 (hg19) VCF-style: chr12-30843512-C-G.
Identifiers: ClinVar variation 2070383 (VCV002070383.1), dbSNP rs2498146440, ClinGen allele CA384233269.